The following is an entry in ClinVar:

NM_021116.4(ADCY1):c.3200C>T (p.Ser1067Phe)

Gene: ADCY1 (adenylate cyclase 1; plus strand). Cytogenetic location: 7p12.3.
Variant type: single nucleotide variant.
Coding change: c.3200C>T on transcript NM_021116.4 (MANE Select); coding-DNA position 3200, C replaced by T.
Protein change: p.Ser1067Phe; replaces serine 1067 with phenylalanine.
Molecular consequence: missense variant.
Genome position (GRCh38, 1-based): chr7:45,713,835, C>T. VCF-style: chr7-45713835-C-T. GRCh37 (hg19) VCF-style: chr7-45753434-C-T.
Other names: short protein forms S1067F.
Identifiers: ClinVar variation 2187995 (VCV002187995.5), dbSNP rs201599762, ClinGen allele CA4249446.

ClinVar aggregate classification (germline): Uncertain significance. Review status: criteria provided, multiple submitters, no conflicts (2 of 4 stars). 2 submissions from 2 submitters: Uncertain significance (2). Last evaluated 2024-12-03.

Allele frequency attached by ClinVar (database versions not stated): TOPMed 0.00005; gnomAD 0.00006; 1000 Genomes Project 30x 0.00031; 1000 Genomes Project 0.00040.
gnomAD v4.1: 31 of 780,914 alleles (0.004%); highest among the groups gnomAD compares: East Asian, 0.073%; no homozygotes.

Submissions (2):

Labcorp Genetics (formerly Invitae), Labcorp
Classification: Uncertain significance. Last evaluated: 2024-12-03. Review status: criteria provided, single submitter. Criteria: Invitae Variant Classification Sherloc (09022015). Collection method: clinical testing. Allele origin: germline.
Comment: This sequence change replaces serine, which is neutral and polar, with phenylalanine, which is neutral and non-polar, at codon 1067 of the ADCY1 protein (p.Ser1067Phe). This variant is present in population databases (rs201599762, gnomAD 0.1%), and has an allele count higher than expected for a pathogenic variant. This variant has not been reported in the literature in individuals affected with ADCY1-related conditions. ClinVar contains an entry for this variant (Variation ID: 2187995). An algorithm developed to predict the effect of missense changes on protein structure and function (PolyPhen-2) suggests that this variant is likely to be tolerated. In summary, the available evidence is currently insufficient to determine the role of this variant in disease. Therefore, it has been classified as a Variant of Uncertain Significance.

Blueprint Genetics
Classification: Uncertain significance. Last evaluated: 2022-05-06. Review status: criteria provided, single submitter. Criteria: ACMG Guidelines, 2015. Collection method: clinical testing. Allele origin: germline.